The following is an entry in ClinVar:

NM_001040142.2(SCN2A):c.2056A>G (p.Ser686Gly)

Gene: SCN2A (sodium voltage-gated channel alpha subunit 2; plus strand). Cytogenetic location: 2q24.3.
Variant type: single nucleotide variant.
Coding change: c.2056A>G on transcript NM_001040142.2 (MANE Select); coding-DNA position 2056, A replaced by G.
Protein change: p.Ser686Gly; replaces serine 686 with glycine.
Molecular consequence: missense variant.
Genome position (GRCh38, 1-based): chr2:165,326,891, A>G. VCF-style: chr2-165326891-A-G. GRCh37 (hg19) VCF-style: chr2-166183401-A-G.
Other names: c.2056A>G, p.Ser686Gly (NM_001040143.2, NM_001371246.1, NM_001371247.1 and 1 more transcripts); short protein forms S686G.
Identifiers: ClinVar variation 3367350 (VCV003367350.1).

ClinVar aggregate classification (germline): Uncertain significance (1 of 4 stars; one submission).

Submission:

GeneDx
Classification: Uncertain significance. Last evaluated: 2024-01-03. Review status: criteria provided, single submitter. Criteria: GeneDx Variant Classification Process June 2021. Collection method: clinical testing. Allele origin: germline. Affected: yes.
Comment: Not observed at significant frequency in large population cohorts (gnomAD); Missense variants in this gene are a common cause of disease and they are underrepresented in the general population; In silico analysis supports that this missense variant does not alter protein structure/function; Has not been previously published as pathogenic or benign to our knowledge; This substitution is predicted to be within the cytoplasmic loop between the first and second homologous domains